The following is an entry in ClinVar:

NM_001845.6(COL4A1):c.1175A>G (p.Glu392Gly)

Gene: COL4A1 (collagen type IV alpha 1 chain; minus strand). Cytogenetic location: 13q34.
Variant type: single nucleotide variant.
Coding change: c.1175A>G on transcript NM_001845.6 (MANE Select); coding-DNA position 1175, A replaced by G.
Protein change: p.Glu392Gly; replaces glutamic acid 392 with glycine.
Molecular consequence: missense variant.
Genome position (GRCh38, 1-based): chr13:110,198,577, T>C on the plus strand (A>G on the coding strand, the complement: COL4A1 is on the minus strand). VCF-style: chr13-110198577-T-C. GRCh37 (hg19) VCF-style: chr13-110850924-T-C.
Other names: c.1175A>G (NM_001845.4); c.1175A>G, p.Glu392Gly (NM_001303110.2); short protein forms E392G.
Identifiers: ClinVar variation 1957986 (VCV001957986.6), dbSNP rs759390141, ClinGen allele CA388724102.

ClinVar aggregate classification (germline): Uncertain significance. Review status: criteria provided, multiple submitters, no conflicts (2 of 4 stars). 2 submissions from 2 submitters: Uncertain significance (2). Last evaluated 2024-11-20.

Conditions:
Inborn genetic diseases. Identifiers: MedGen C0950123, MeSH D030342.

Submissions (2):

Ambry Genetics
Classification: Uncertain significance for Inborn genetic diseases. Last evaluated: 2024-11-20. Review status: criteria provided, single submitter. Criteria: Ambry Variant Classification Scheme 2023. Collection method: clinical testing. Allele origin: germline.

Labcorp Genetics (formerly Invitae), Labcorp
Classification: Uncertain significance. Last evaluated: 2022-08-17. Review status: criteria provided, single submitter. Criteria: Invitae Variant Classification Sherloc (09022015). Collection method: clinical testing. Allele origin: germline.
Comment: This sequence change replaces glutamic acid, which is acidic and polar, with glycine, which is neutral and non-polar, at codon 392 of the COL4A1 protein (p.Glu392Gly). This variant is present in population databases (no rsID available, gnomAD 0.0009%). This variant has not been reported in the literature in individuals affected with COL4A1-related conditions. Advanced modeling of protein sequence and biophysical properties (such as structural, functional, and spatial information, amino acid conservation, physicochemical variation, residue mobility, and thermodynamic stability) performed at Invitae indicates that this missense variant is not expected to disrupt COL4A1 protein function. In summary, the available evidence is currently insufficient to determine the role of this variant in disease. Therefore, it has been classified as a Variant of Uncertain Significance.